The following is an entry in ClinVar:

NM_003901.4(SGPL1):c.406A>T (p.Met136Leu)

Gene: SGPL1 (sphingosine-1-phosphate lyase 1; plus strand). Cytogenetic location: 10q22.1.
Variant type: single nucleotide variant.
Coding change: c.406A>T on transcript NM_003901.4 (MANE Select); coding-DNA position 406, A replaced by T.
Protein change: p.Met136Leu; replaces methionine 136 with leucine.
Molecular consequence: missense variant.
Genome position (GRCh38, 1-based): chr10:70,854,852, A>T. VCF-style: chr10-70854852-A-T. GRCh37 (hg19) VCF-style: chr10-72614609-A-T.
Other names: c.406A>T (NM_003901.3); short protein forms M136L.
Identifiers: ClinVar variation 2177117 (VCV002177117.5), dbSNP rs367644111, ClinGen allele CA209379843.
Genomic context (GRCh38, chr10:70,854,852, plus strand): 5'-TTACCCTCCCAGGGTCTGAGCTCATCTGCTGTTTTGGAGAAACTTAAGGAGTACAGCTCT[A>T]TGGGTATGATGCTTGGCATATACATGCTCTCTACTTCCTTAAAGAGACAGGTTTTGTCAT-3'
Protein context (NP_003892.2, residues 126-146): VLEKLKEYSS[Met136Leu]DAFWQEGRAS

ClinVar aggregate classification (germline): Uncertain significance. Review status: criteria provided, multiple submitters, no conflicts (2 of 4 stars). 2 submissions from 2 submitters: Uncertain significance (2). Last evaluated 2022-06-08.

Conditions:
Inborn genetic diseases. Identifiers: MedGen C0950123, MeSH D030342.

Allele frequency attached by ClinVar (database versions not stated): TOPMed 0.00001; gnomAD 0.00003; ESP Exome Variant Server 0.00008.

Submissions (2):

Labcorp Genetics (formerly Invitae), Labcorp
Classification: Uncertain significance. Last evaluated: 2022-06-08. Review status: criteria provided, single submitter. Criteria: Invitae Variant Classification Sherloc (09022015). Collection method: clinical testing. Allele origin: germline.
Comment: This sequence change replaces methionine, which is neutral and non-polar, with leucine, which is neutral and non-polar, at codon 136 of the SGPL1 protein (p.Met136Leu). This variant is present in population databases (rs367644111, gnomAD 0.0009%). This variant has not been reported in the literature in individuals affected with SGPL1-related conditions. Algorithms developed to predict the effect of missense changes on protein structure and function output the following: SIFT: "Tolerated"; PolyPhen-2: "Benign"; Align-GVGD: "Class C0". The leucine amino acid residue is found in multiple mammalian species, which suggests that this missense change does not adversely affect protein function. In summary, the available evidence is currently insufficient to determine the role of this variant in disease. Therefore, it has been classified as a Variant of Uncertain Significance.

Ambry Genetics
Classification: Uncertain significance for Inborn genetic diseases. Last evaluated: 2021-10-12. Review status: criteria provided, single submitter. Criteria: Ambry Variant Classification Scheme 2023. Collection method: clinical testing. Allele origin: germline.